The following is an entry in ClinVar:

ClinVar aggregate classification (germline): Benign. Review status: criteria provided, single submitter (1 of 4 stars). 2 submissions from 1 submitter: Benign (2). Last evaluated 2018-01-13.

Conditions:
Amyotrophic lateral sclerosis type 8 (ALS8). Identifiers: Orphanet 803, MedGen C1837728, MONDO:0012077, OMIM 608627.
Adult-onset proximal spinal muscular atrophy, autosomal dominant. Also called: Spinal muscular atrophy, late-onset, finkel type; FINKEL LATE-ADULT TYPE SMA. Identifiers: Orphanet 209335, MedGen C1854058, MONDO:0008453, OMIM 182980.

Allele frequency attached by ClinVar (database versions not stated): TOPMed 0.00035; gnomAD exomes 0.00044 and 0.00055; gnomAD 0.00039 and 0.00036; ExAC 0.00067.

Submissions (2):

Illumina Laboratory Services, Illumina
Classification: Benign for Adult-onset proximal spinal muscular atrophy, autosomal dominant. Last evaluated: 2018-01-13. Review status: criteria provided, single submitter. Criteria: ICSL Variant Classification Criteria 13 December 2019. Collection method: clinical testing. Allele origin: germline.
Comment: This variant was observed in the ICSL laboratory as part of a predisposition screen in an ostensibly healthy population. It had not been previously curated by ICSL or reported in the Human Gene Mutation Database (HGMD: prior to June 1st, 2018), and was therefore a candidate for classification through an automated scoring system. Utilizing variant allele frequency, disease prevalence and penetrance estimates, and inheritance mode, an automated score was calculated to assess if this variant is too frequent to cause the disease. Based on the score and internal cut-off values, a variant classified as benign is not then subjected to further curation. The score for this variant resulted in a classification of benign for this disease.

Illumina Laboratory Services, Illumina
Classification: Benign for Amyotrophic lateral sclerosis type 8. Last evaluated: 2018-01-13. Review status: criteria provided, single submitter. Criteria: ICSL Variant Classification Criteria 13 December 2019. Collection method: clinical testing. Allele origin: germline.
Comment: the same text as in the submission from Illumina Laboratory Services, Illumina above.

NM_004738.4(VAPB):c.-322G>C

Genes: VAPB (VAMP associated protein B and C; plus strand), LOC130066253 (ATAC-STARR-seq lymphoblastoid silent region 13072; plus strand). Cytogenetic location: 20q13.32.
Variant type: single nucleotide variant.
Coding change: c.-322G>C on transcript NM_004738.4; 322 bases upstream of the start codon, G replaced by C.
Genome position (GRCh38, 1-based): chr20:58,389,138, G>C. VCF-style: chr20-58389138-G-C. GRCh37 (hg19) VCF-style: chr20-56964194-G-C.
Identifiers: ClinVar variation 897765 (VCV000897765.6), dbSNP rs746837253, ClinGen allele CA9924074.
Genomic context (GRCh38, chr20:58,389,138, plus strand): 5'-CCTGCGCACTGTCCCGGAAGGGGCTCTACGCGCGCAGCTTTAGTCCCCGCCCCTGGAGCC[G>C]GCGGCGCAGGGCGCAGCTTCCCGCCGCCAGAGCGGGCCAGCCTGCTGCGTGCGTGCGTGT-3'